The following is an entry in ClinVar:

NM_001999.4(FBN2):c.5052C>T (p.Ser1684=)

Gene: FBN2 (fibrillin 2; minus strand). Cytogenetic location: 5q23.3.
Variant type: single nucleotide variant.
Coding change: c.5052C>T on transcript NM_001999.4 (MANE Select); coding-DNA position 5052, C replaced by T.
Protein change: p.Ser1684=; no amino-acid change (serine 1684 retained).
Molecular consequence: synonymous variant.
Genome position (GRCh38, 1-based): chr5:128,311,322, G>A on the plus strand (C>T on the coding strand, the complement: FBN2 is on the minus strand). VCF-style: chr5-128311322-G-A. GRCh37 (hg19) VCF-style: chr5-127647014-G-A.
Other names: c.5052C>T (NM_001999.3).
Identifiers: ClinVar variation 2896323 (VCV002896323.9), dbSNP rs759015681, ClinGen allele CA126989213.
Genomic context (GRCh38, chr5:128,311,322, plus strand): 5'-AACAGCACTGAGCATTTTAGGCATCAAATTCATCTCACCTTCACAGATGCGGGTATCCTC[G>A]CTGAGGTAGTAGCCTTGTGGGCACTCACACTGGAAGCTCCCAAAAGTGTTGATGCAGTTT-3'
Protein context (NP_001990.2, residues 1674-1694): QCECPQGYYL[Ser1684=]EDTRICEDID

ClinVar aggregate classification (germline): Likely benign. Review status: criteria provided, multiple submitters, no conflicts (2 of 4 stars). 3 submissions from 3 submitters: Likely benign (3). Last evaluated 2026-02-15.

Conditions:
Congenital contractural arachnodactyly (CCA). Also called: Beals-Hecht syndrome; BEALS SYNDROME; Arthrogryposis, distal, type 9. Identifiers: Orphanet 115, MedGen C0220668, MONDO:0007363, OMIM 121050.
Familial thoracic aortic aneurysm and aortic dissection (TAAD). Also called: Thoracic aortic aneurysms and dissections. Identifiers: Orphanet 91387, MedGen C4707243, MONDO:0019625.

Allele frequency attached by ClinVar (database versions not stated): TOPMed 0.00001.
gnomAD v4.1: 5 of 1,613,938 alleles (0.00031%); highest among the groups gnomAD compares: Middle Eastern, 0.016%; no homozygotes.

Submissions (3):

Ambry Genetics
Classification: Likely benign for Familial thoracic aortic aneurysm and aortic dissection. Last evaluated: 2026-02-15. Review status: criteria provided, single submitter. Criteria: Ambry Variant Classification Scheme 2023. Collection method: clinical testing. Allele origin: germline.

CeGaT Center for Human Genetics Tuebingen
Classification: Likely benign. Last evaluated: 2025-11-01. Review status: criteria provided, single submitter. Criteria: CeGaT Center For Human Genetics Tuebingen Variant Classification Criteria Version 2. Collection method: clinical testing. Allele origin: germline. Affected: yes. Observed: 1 variant allele.
Comment: FBN2: BP4, BP7

Labcorp Genetics (formerly Invitae), Labcorp
Classification: Likely benign for Congenital contractural arachnodactyly. Last evaluated: 2023-01-20. Review status: criteria provided, single submitter. Criteria: Invitae Variant Classification Sherloc (09022015). Collection method: clinical testing. Allele origin: germline.